The following is an entry in ClinVar:

ClinVar aggregate classification (germline): Likely pathogenic (1 of 4 stars; one submission).

Conditions:
SIX3-related disorder. Also called: SIX3-related condition; SIX3-Related Disorders.

Submission:

PreventionGenetics, part of Exact Sciences
Classification: Likely pathogenic for SIX3-related condition. Last evaluated: 2023-04-16. Review status: criteria provided, single submitter. Criteria: ACMG Guidelines, 2015. Collection method: clinical testing. Allele origin: germline.
Comment: The SIX3 c.806+2T>C variant is predicted to disrupt the GT donor site and interfere with normal splicing. To our knowledge, this variant has not been reported in the literature or in a large population database, indicating this variant is rare. Similar canonical splice variants, c.806+1G>A and c.806+1G>T, have been reported in individuals with holoprosencephaly (Lacbawan et al. 2009. PubMed ID: 19346217; Table S1, Tekendo-Ngongang et al. 2020. PubMed ID: 32022405). Variants that disrupt the consensus splice donor site in SIX3 are expected to be pathogenic. The c.806+2T>C variant is interpreted as likely pathogenic.

NM_005413.4(SIX3):c.806+2T>C

Gene: SIX3 (SIX homeobox 3; plus strand). Cytogenetic location: 2p21.
Variant type: single nucleotide variant.
Coding change: c.806+2T>C on transcript NM_005413.4 (MANE Select); the canonical splice donor site of the intron after coding-DNA position 806, T replaced by C.
Molecular consequence: splice donor variant.
Genome position (GRCh38, 1-based): chr2:44,942,912, T>C. VCF-style: chr2-44942912-T-C. GRCh37 (hg19) VCF-style: chr2-45170051-T-C.
Identifiers: ClinVar variation 2632911 (VCV002632911.1), dbSNP rs1572624326, ClinGen allele CA346800412.
Genomic context (GRCh38, chr2:44,942,912, plus strand): 5'-GTAGGCAACTGGTTTAAGAACCGGCGGCAGCGCGACCGCGCCGCGGCGGCCAAGAACAGG[T>C]TAGTGGCGGGGCCCGCGGCCTGGCTACAGCCTCAGAGGCCTGGGAAGGGGAGAGGGGTTG-3'